The following is an entry in ClinVar:

ClinVar aggregate classification (germline): Uncertain significance (1 of 4 stars; one submission).

Conditions:
STING-associated vasculopathy with onset in infancy. Also called: Sting-associated vasculopathy, infantile-onset. Identifiers: Orphanet 425120, MedGen C4014722, MONDO:0014405, OMIM 615934.

Submission:

Labcorp Genetics (formerly Invitae), Labcorp
Classification: Uncertain significance for STING-associated vasculopathy with onset in infancy. Last evaluated: 2024-06-12. Review status: criteria provided, single submitter. Criteria: Invitae Variant Classification Sherloc (09022015). Collection method: clinical testing. Allele origin: germline.
Comment: This sequence change replaces valine, which is neutral and non-polar, with methionine, which is neutral and non-polar, at codon 147 of the TMEM173 protein (p.Val147Met). This variant is not present in population databases (gnomAD no frequency). This missense change has been observed in individual(s) with STING-associated vasculopathy (PMID: 27943079). Advanced modeling of protein sequence and biophysical properties (such as structural, functional, and spatial information, amino acid conservation, physicochemical variation, residue mobility, and thermodynamic stability) performed at Invitae indicates that this missense variant is not expected to disrupt TMEM173 protein function with a negative predictive value of 80%. This variant disrupts the p.Val147 amino acid residue in TMEM173. Other variant(s) that disrupt this residue have been determined to be pathogenic (PMID: 25029335, 28041677, 30038614). This suggests that this residue is clinically significant, and that variants that disrupt this residue are likely to be disease-causing. In summary, the available evidence is currently insufficient to determine the role of this variant in disease. Therefore, it has been classified as a Variant of Uncertain Significance.

Literature cited by the submitters: PubMed 27943079; PubMed 25029335; PubMed 28041677; PubMed 30038614.

NM_198282.4(STING1):c.439G>A (p.Val147Met)

Gene: STING1 (stimulator of interferon response cGAMP interactor 1; minus strand). Cytogenetic location: 5q31.2.
Variant type: single nucleotide variant.
Coding change: c.439G>A on transcript NM_198282.4 (MANE Select); coding-DNA position 439, G replaced by A.
Protein change: p.Val147Met; replaces valine 147 with methionine.
Molecular consequence: missense variant.
Genome position (GRCh38, 1-based): chr5:139,480,871, C>T on the plus strand (G>A on the coding strand, the complement: STING1 is on the minus strand). VCF-style: chr5-139480871-C-T. GRCh37 (hg19) VCF-style: chr5-138860456-C-T.
Other names: c.439G>A, p.Val147Met (NM_001301738.2); c.82G>A, p.Val28Met (NM_001367258.1); short protein forms V147M, V28M.
Identifiers: ClinVar variation 3720659 (VCV003720659.2).